The following is an entry in ClinVar:

NC_000004.11:g.(?_100510780)_(100528137_?)del

Gene: MTTP (microsomal triglyceride transfer protein; plus strand). Cytogenetic location: 4q23.
Variant type: Deletion.
Identifiers: ClinVar variation 1510338 (VCV001510338.4).

ClinVar aggregate classification (germline): Uncertain significance (1 of 4 stars; one submission).

Submission:

Labcorp Genetics (formerly Invitae), Labcorp
Classification: Uncertain significance. Last evaluated: 2021-10-13. Review status: criteria provided, single submitter. Criteria: Invitae Variant Classification Sherloc (09022015). Collection method: clinical testing. Allele origin: germline.
Comment: In summary, the available evidence is currently insufficient to determine the role of this variant in disease. Therefore, it has been classified as a Variant of Uncertain Significance. Experimental studies and prediction algorithms are not available or were not evaluated, and the functional significance of this variant is currently unknown. This variant has not been reported in the literature in individuals affected with MTTP-related conditions. This variant is a gross deletion of the genomic region encompassing exon(s) 5-12 of the MTTP gene. This variant would be expected to be in-frame, preserving the integrity of the reading frame.